The following is an entry in ClinVar:

NM_003764.4(STX11):c.850C>G (p.Pro284Ala)

Gene: STX11 (syntaxin 11; plus strand). Cytogenetic location: 6q24.2.
Variant type: single nucleotide variant.
Coding change: c.850C>G on transcript NM_003764.4 (MANE Select); coding-DNA position 850, C replaced by G.
Protein change: p.Pro284Ala; replaces proline 284 with alanine.
Molecular consequence: missense variant.
Genome position (GRCh38, 1-based): chr6:144,187,477, C>G. VCF-style: chr6-144187477-C-G. GRCh37 (hg19) VCF-style: chr6-144508614-C-G.
Other names: short protein forms P284A.
Identifiers: ClinVar variation 1986443 (VCV001986443.1), dbSNP rs2533807383, ClinGen allele CA365950252.
Genomic context (GRCh38, chr6:144,187,477, plus strand): 5'-CGGAAGGCCGTGCAGTACGAGGAGAAGAACCCCTGCCGGACCCTCTGCTGCTTCTGCTGT[C>G]CCTGCCTCAAGTAGCAGGCCGGCCCGGGCCGCCACCGCCCATCCCAGACCATGGAGCGCG-3'
Protein context (NP_003755.2, residues 274-287): PCRTLCCFCC[Pro284Ala]CLK

ClinVar aggregate classification (germline): Uncertain significance (1 of 4 stars; one submission).

Conditions:
Familial hemophagocytic lymphohistiocytosis 4 (FHL4). Also called: STX11-Related Familial Hemophagocytic Lymphohistiocytosis (STX11-fHLH). Identifiers: Orphanet 540, MedGen C1863728, MONDO:0011336, OMIM 603552.

Allele frequency attached by ClinVar (database versions not stated): gnomAD exomes below 0.00001.
gnomAD v4.1: 1 of 1,612,570 alleles (0.000062%); highest among the groups gnomAD compares: Admixed American, 0.0017%; no homozygotes.

Submission:

Labcorp Genetics (formerly Invitae), Labcorp
Classification: Uncertain significance for Familial hemophagocytic lymphohistiocytosis 4. Last evaluated: 2022-08-21. Review status: criteria provided, single submitter. Criteria: Invitae Variant Classification Sherloc (09022015). Collection method: clinical testing. Allele origin: germline.
Comment: This sequence change replaces proline, which is neutral and non-polar, with alanine, which is neutral and non-polar, at codon 284 of the STX11 protein (p.Pro284Ala). This variant is not present in population databases (gnomAD no frequency). This variant has not been reported in the literature in individuals affected with STX11-related conditions. Algorithms developed to predict the effect of missense changes on protein structure and function are either unavailable or do not agree on the potential impact of this missense change (SIFT: "Tolerated"; PolyPhen-2: "Not Available"; Align-GVGD: "Class C0"). In summary, the available evidence is currently insufficient to determine the role of this variant in disease. Therefore, it has been classified as a Variant of Uncertain Significance.